The following is an entry in ClinVar:

NM_001376.5(DYNC1H1):c.8523G>C (p.Glu2841Asp)

Gene: DYNC1H1 (dynein cytoplasmic 1 heavy chain 1; plus strand). Cytogenetic location: 14q32.31.
Variant type: single nucleotide variant.
Coding change: c.8523G>C on transcript NM_001376.5 (MANE Select); coding-DNA position 8523, G replaced by C.
Protein change: p.Glu2841Asp; replaces glutamic acid 2841 with aspartic acid.
Molecular consequence: missense variant.
Genome position (GRCh38, 1-based): chr14:102,022,766, G>C. VCF-style: chr14-102022766-G-C. GRCh37 (hg19) VCF-style: chr14-102489103-G-C.
Other names: short protein forms E2841D.
Identifiers: ClinVar variation 2162027 (VCV002162027.4), dbSNP rs2048400863, ClinGen allele CA391007022.

ClinVar aggregate classification (germline): Uncertain significance (1 of 4 stars; one submission).

Conditions:
Charcot-Marie-Tooth disease axonal type 2O. Also called: CHARCOT-MARIE-TOOTH NEUROPATHY, AXONAL, TYPE 2O; CHARCOT-MARIE-TOOTH DISEASE, AXONAL, AUTOSOMAL DOMINANT, TYPE 2O; Charcot-Marie-Tooth Neuropathy Type 2O; Charcot-Marie-Tooth disease, axonal, type 20. Identifiers: Orphanet 284232, MedGen C3280220, MONDO:0013644, OMIM 614228.

Allele frequency attached by ClinVar (database versions not stated): gnomAD exomes below 0.00001; gnomAD 0.00001.
gnomAD v4.1: 2 of 1,614,038 alleles (0.00012%); highest among the groups gnomAD compares: Non-Finnish European, 0.00017%; no homozygotes.

Submission:

Labcorp Genetics (formerly Invitae), Labcorp
Classification: Uncertain significance for Charcot-Marie-Tooth disease axonal type 2O. Last evaluated: 2025-03-16. Review status: criteria provided, single submitter. Criteria: Invitae Variant Classification Sherloc (09022015). Collection method: clinical testing. Allele origin: germline.
Comment: This sequence change replaces glutamic acid, which is acidic and polar, with aspartic acid, which is acidic and polar, at codon 2841 of the DYNC1H1 protein (p.Glu2841Asp). This variant is not present in population databases (gnomAD no frequency). This variant has not been reported in the literature in individuals affected with DYNC1H1-related conditions. ClinVar contains an entry for this variant (Variation ID: 2162027). Invitae Evidence Modeling of protein sequence and biophysical properties (such as structural, functional, and spatial information, amino acid conservation, physicochemical variation, residue mobility, and thermodynamic stability) indicates that this missense variant is not expected to disrupt DYNC1H1 protein function with a negative predictive value of 95%. In summary, the available evidence is currently insufficient to determine the role of this variant in disease. Therefore, it has been classified as a Variant of Uncertain Significance.